The following is an entry in ClinVar:

ClinVar aggregate classification (germline): Conflicting classifications of pathogenicity. Review status: criteria provided, conflicting classifications (1 of 4 stars). 2 submissions from 2 submitters: Uncertain significance (1); Likely benign (1). Last evaluated 2025-11-26.

Conditions:
Emery-Dreifuss muscular dystrophy 5, autosomal dominant (EDMD5). Also called: EMERY-DREIFUSS MUSCULAR DYSTROPHY 5. Identifiers: Orphanet 261, MedGen C2751805, MONDO:0013072, OMIM 612999.

Allele frequency attached by ClinVar (database versions not stated): ExAC 0.00001; gnomAD 0.00004 and 0.00003; gnomAD exomes 0.00001; TOPMed 0.00002.
gnomAD v4.1: 30 of 1,614,066 alleles (0.0019%); highest among the groups gnomAD compares: African/African-American, 0.0053%; no homozygotes.

Submissions (2):

Ambry Genetics
Classification: Likely benign. Last evaluated: 2025-11-26. Review status: criteria provided, single submitter. Criteria: Ambry Variant Classification Scheme 2023. Collection method: clinical testing. Allele origin: germline.

Labcorp Genetics (formerly Invitae), Labcorp
Classification: Uncertain significance for Emery-Dreifuss muscular dystrophy 5, autosomal dominant. Last evaluated: 2025-03-31. Review status: criteria provided, single submitter. Criteria: Invitae Variant Classification Sherloc (09022015). Collection method: clinical testing. Allele origin: germline.
Comment: This sequence change replaces methionine, which is neutral and non-polar, with valine, which is neutral and non-polar, at codon 4747 of the SYNE2 protein (p.Met4747Val). This variant is present in population databases (rs759983332, gnomAD 0.02%). This variant has not been reported in the literature in individuals affected with SYNE2-related conditions. ClinVar contains an entry for this variant (Variation ID: 1039825). An algorithm developed to predict the effect of missense changes on protein structure and function outputs the following: PolyPhen-2: "Benign". The valine amino acid residue is found in multiple mammalian species, which suggests that this missense change does not adversely affect protein function. In summary, the available evidence is currently insufficient to determine the role of this variant in disease. Therefore, it has been classified as a Variant of Uncertain Significance.

NM_182914.3(SYNE2):c.14239A>G (p.Met4747Val)

Gene: SYNE2 (spectrin repeat containing nuclear envelope protein 2; plus strand). Cytogenetic location: 14q23.2.
Variant type: single nucleotide variant.
Coding change: c.14239A>G on transcript NM_182914.3 (MANE Select); coding-DNA position 14239, A replaced by G.
Protein change: p.Met4747Val; replaces methionine 4747 with valine.
Molecular consequence: missense variant.
Genome position (GRCh38, 1-based): chr14:64,130,147, A>G. VCF-style: chr14-64130147-A-G. GRCh37 (hg19) VCF-style: chr14-64596865-A-G.
Other names: c.14239A>G, p.Met4747Val (NM_015180.6); c.14239A>G (NM_182914.2); short protein forms M4747V.
Identifiers: ClinVar variation 1039825 (VCV001039825.7), dbSNP rs759983332, ClinGen allele CA7222725.
Genomic context (GRCh38, chr14:64,130,147, plus strand): 5'-TACACAGAACTCAGCAGCCCTTTCGTCACTGAGAGCCAGCAAGATGCTTTGTTGCAAGGC[A>G]TGGTGGAACTGGTGAAGATTGGGAAGGAAAAGCTTGCTCATGGCCACTTAAAACAAACCA-3'
Protein context (NP_878918.2, residues 4737-4757): ESQQDALLQG[Met4747Val]VELVKIGKEK